The following is an entry in ClinVar:

NM_001042681.2(RERE):c.3395+5G>T

Gene: RERE (arginine-glutamic acid dipeptide repeats; minus strand). Cytogenetic location: 1p36.23.
Variant type: single nucleotide variant.
Coding change: c.3395+5G>T on transcript NM_001042681.2 (MANE Select); 5 bases into the intron after coding-DNA position 3395, G replaced by T.
Molecular consequence: intron variant.
Genome position (GRCh38, 1-based): chr1:8,360,107, C>A on the plus strand (G>T on the coding strand, the complement: RERE is on the minus strand). VCF-style: chr1-8360107-C-A. GRCh37 (hg19) VCF-style: chr1-8420167-C-A.
Other names: c.3395+5G>T (NM_012102.4); c.1733+5G>T (NM_001042682.2).
Identifiers: ClinVar variation 1712542 (VCV001712542.2), dbSNP rs571432854, ClinGen allele CA1152321188.
Genomic context (GRCh38, chr1:8,360,107, plus strand): 5'-CCACCAGAACTTGCCCCCACCAGCCCACCTGTGCCTGACCCGTCCTGGAGCCCTAGGAAG[C>A]GTACCTAGCTGACTGGCTGGCGTGACTGGGGGTGTCCACCACAGTGGGCTCCGGGGACGG-3'

ClinVar aggregate classification (germline): Uncertain significance (1 of 4 stars; one submission).

gnomAD v4.1: 1 of 1,576,516 alleles (0.000063%); highest among the groups gnomAD compares: Non-Finnish European, 0.000086%; no homozygotes.

Submission:

GeneDx
Classification: Uncertain significance. Last evaluated: 2022-04-28. Review status: criteria provided, single submitter. Criteria: GeneDx Variant Classification Process June 2021. Collection method: clinical testing. Allele origin: germline. Affected: yes.
Comment: Not observed at significant frequency in large population cohorts (gnomAD); Has not been previously published as pathogenic or benign to our knowledge; In silico analysis, which includes splice predictors and evolutionary conservation, suggests this variant may impact gene splicing. In the absence of RNA/functional studies, the actual effect of this sequence change is unknown.